The following is an entry in ClinVar:

NM_198578.4(LRRK2):c.3721G>A (p.Ala1241Thr)

Gene: LRRK2 (leucine rich repeat kinase 2; plus strand). Cytogenetic location: 12q12.
Variant type: single nucleotide variant.
Coding change: c.3721G>A on transcript NM_198578.4 (MANE Select); coding-DNA position 3721, G replaced by A.
Protein change: p.Ala1241Thr; replaces alanine 1241 with threonine.
Molecular consequence: missense variant.
Genome position (GRCh38, 1-based): chr12:40,304,078, G>A. VCF-style: chr12-40304078-G-A. GRCh37 (hg19) VCF-style: chr12-40697880-G-A.
Other names: short protein forms A1241T.
Identifiers: ClinVar variation 566690 (VCV000566690.10), dbSNP rs767609721, ClinGen allele CA6513986.
Genomic context (GRCh38, chr12:40,304,078, plus strand): 5'-AACTTAAGGGAACTCTTATTTAGCCATAATCAGATCAGCATCTTGGACTTGAGTGAAAAA[G>A]CATATTTATGGTCTAGAGTAGAGAAACTGCATCTTTCTCACAATAAACTGAAAGAGGTAA-3'
Protein context (NP_940980.4, residues 1231-1251): QISILDLSEK[Ala1241Thr]YLWSRVEKLH

ClinVar aggregate classification (germline): Uncertain significance. Review status: criteria provided, multiple submitters, no conflicts (2 of 4 stars). 2 submissions from 2 submitters: Uncertain significance (2). Last evaluated 2022-07-19.

Conditions:
Autosomal dominant Parkinson disease 8. Also called: Parkinson disease 8, susceptibility to; LRRK2-Related Parkinson Disease; Parkinson disease 8. Identifiers: Orphanet 411602, MedGen C1846862, MONDO:0011764, OMIM 607060.

Allele frequency attached by ClinVar (database versions not stated): gnomAD 0.00001; ExAC 0.00002; TOPMed 0.00002.
gnomAD v4.1: 77 of 1,613,626 alleles (0.0048%); highest among the groups gnomAD compares: Middle Eastern, 0.017%; no homozygotes.

Submissions (2):

Labcorp Genetics (formerly Invitae), Labcorp
Classification: Uncertain significance for Autosomal dominant Parkinson disease 8. Last evaluated: 2022-07-19. Review status: criteria provided, single submitter. Criteria: Invitae Variant Classification Sherloc (09022015). Collection method: clinical testing. Allele origin: germline.
Comment: ClinVar contains an entry for this variant (Variation ID: 566690). This variant has not been reported in the literature in individuals affected with LRRK2-related conditions. This variant is present in population databases (rs767609721, gnomAD 0.004%). This sequence change replaces alanine, which is neutral and non-polar, with threonine, which is neutral and polar, at codon 1241 of the LRRK2 protein (p.Ala1241Thr). Algorithms developed to predict the effect of missense changes on protein structure and function are either unavailable or do not agree on the potential impact of this missense change (SIFT: "Tolerated"; PolyPhen-2: "Possibly Damaging"; Align-GVGD: "Class C0"). In summary, the available evidence is currently insufficient to determine the role of this variant in disease. Therefore, it has been classified as a Variant of Uncertain Significance.

GeneDx
Classification: Uncertain significance. Last evaluated: 2019-05-21. Review status: criteria provided, single submitter. Criteria: GeneDx Variant Classification Process June 2021. Collection method: clinical testing. Allele origin: germline. Affected: yes.
Comment: Not observed at a significant frequency in large population cohorts (Lek et al., 2016); In silico analysis, which includes protein predictors and evolutionary conservation, supports that this variant does not alter protein structure/function; Has not been previously published as pathogenic or benign to our knowledge